The following is an entry in ClinVar:

ClinVar aggregate classification (germline): Pathogenic (1 of 4 stars; one submission).

Conditions:
Distal myopathy with posterior leg and anterior hand involvement. Also called: WILLIAMS DISTAL MYOPATHY. Identifiers: Orphanet 63273, MedGen C3279722, MONDO:0013550, OMIM 614065.
Hypertrophic cardiomyopathy 26. Also called: Cardiomyopathy, familial hypertrophic, 26. Identifiers: Orphanet 75249, MedGen C4310749, MONDO:0014883, OMIM 617047.
Myofibrillar myopathy 5. Also called: Filaminopathy (type); FILAMINOPATHY, AUTOSOMAL DOMINANT. Identifiers: Orphanet 171445, MedGen C1836050, MONDO:0012289, OMIM 609524.

Submission:

Labcorp Genetics (formerly Invitae), Labcorp
Classification: Pathogenic for Distal myopathy with posterior leg and anterior hand involvement; Myofibrillar myopathy 5; Hypertrophic cardiomyopathy 26. Last evaluated: 2024-11-27. Review status: criteria provided, single submitter. Criteria: Invitae Variant Classification Sherloc (09022015). Collection method: clinical testing. Allele origin: germline.
Comment: This sequence change creates a premature translational stop signal (p.Gly2489Glufs*40) in the FLNC gene. It is expected to result in an absent or disrupted protein product. Loss-of-function variants in FLNC are known to be pathogenic (PMID: 27908349). This variant is not present in population databases (gnomAD no frequency). This variant has not been reported in the literature in individuals affected with FLNC-related conditions. For these reasons, this variant has been classified as Pathogenic.

Literature cited by the submitters: PubMed 27908349.

NM_001458.5(FLNC):c.7466del (p.Gly2489fs)

Genes: FLNC-AS1 (FLNC antisense RNA 1; minus strand), FLNC (filamin C; plus strand). Cytogenetic location: 7q32.1.
Variant type: Deletion.
Coding change: c.7466del on transcript NM_001458.5 (MANE Select); coding-DNA position 7466, one base deleted (G; older notation c.7466delG).
Protein change: p.Gly2489fs; shifts the reading frame from glycine 2489.
Molecular consequence: frameshift variant.
Genome position (GRCh38, 1-based): chr7:128,856,826, G deleted; the last of 2 consecutive G bases (chr7:128,856,825-128,856,826); deleting either gives the same sequence. VCF-style (leftmost placement, unchanged base first): chr7-128856824-TG-T. GRCh37 (hg19) VCF-style: chr7-128496878-TG-T.
Other names: c.7367del, p.Gly2456fs (NM_001127487.2); short protein forms G2456fs, G2489fs.
Identifiers: ClinVar variation 3759912 (VCV003759912.2).